The following is an entry in ClinVar:

NM_001365308.1(BMPER):c.1259C>A (p.Ser420Ter)

Gene: BMPER (BMP binding endothelial regulator; plus strand). Cytogenetic location: 7p14.3.
Variant type: single nucleotide variant.
Coding change: c.1259C>A on transcript NM_001365308.1 (MANE Select); coding-DNA position 1259, C replaced by A.
Protein change: p.Ser420Ter; replaces serine 420 with a stop codon.
Molecular consequence: nonsense.
Genome position (GRCh38, 1-based): chr7:34,079,037, C>A. VCF-style: chr7-34079037-C-A. GRCh37 (hg19) VCF-style: chr7-34118649-C-A.
Other names: c.1259C>A, p.Ser420Ter (NM_133468.5); short protein forms S420*.
Identifiers: ClinVar variation 1409421 (VCV001409421.6), dbSNP rs2127973901, ClinGen allele CA367180017.

ClinVar aggregate classification (germline): Pathogenic (1 of 4 stars; one submission).

gnomAD v4.1: 2 of 1,614,166 alleles (0.00012%); highest among the groups gnomAD compares: Non-Finnish European, 0.00017%; no homozygotes.

Submission:

Labcorp Genetics (formerly Invitae), Labcorp
Classification: Pathogenic. Last evaluated: 2022-06-13. Review status: criteria provided, single submitter. Criteria: Invitae Variant Classification Sherloc (09022015). Collection method: clinical testing. Allele origin: germline.
Comment: For these reasons, this variant has been classified as Pathogenic. Algorithms developed to predict the effect of sequence changes on RNA splicing suggest that this variant may create or strengthen a splice site. This variant has not been reported in the literature in individuals affected with BMPER-related conditions. This variant is not present in population databases (gnomAD no frequency). This sequence change creates a premature translational stop signal (p.Ser420*) in the BMPER gene. It is expected to result in an absent or disrupted protein product. Loss-of-function variants in BMPER are known to be pathogenic (PMID: 20869035, 21990102).

Literature cited by the submitters: PubMed 20869035; PubMed 21990102.